The following is an entry in ClinVar:

ClinVar aggregate classification (germline): Uncertain significance. Review status: criteria provided, multiple submitters, no conflicts (2 of 4 stars). 3 submissions from 3 submitters: Uncertain significance (2). 1 of the submissions does not count toward it. Last evaluated 2022-11-22.

Conditions:
Inborn genetic diseases. Identifiers: MedGen C0950123, MeSH D030342.
Deficiency of UDPglucose-hexose-1-phosphate uridylyltransferase. Also called: GALACTOSE-1-PHOSPHATE URIDYLYLTRANSFERASE DEFICIENCY; GALT deficiency; Galactosemia, classic; Transferase Deficiency Galactosemia; GALACTOSEMIA I. Identifiers: Orphanet 352, Orphanet 79239, MedGen C0268151, MONDO:0009258, OMIM 230400.
Galactosemia. Also called: Galactose intolerance. Identifiers: Orphanet 352, MedGen C0016952, MONDO:0018116, HP:0004919. Disease mechanism: loss of function.

Allele frequency attached by ClinVar (database versions not stated): gnomAD below 0.00001 and 0.00001; TOPMed 0.00001; gnomAD exomes 0.00002 and 0.00003; ExAC 0.00004.
gnomAD v4.1: 27 of 1,613,638 alleles (0.0017%); highest among the groups gnomAD compares: South Asian, 0.024%; no homozygotes.

Submissions (3):

Ambry Genetics
Classification: Uncertain significance for Inborn genetic diseases. Last evaluated: 2022-11-22. Review status: criteria provided, single submitter. Criteria: Ambry Variant Classification Scheme 2023. Collection method: clinical testing. Allele origin: germline.

Labcorp Genetics (formerly Invitae), Labcorp
Classification: Uncertain significance for Deficiency of UDPglucose-hexose-1-phosphate uridylyltransferase. Last evaluated: 2021-09-01. Review status: criteria provided, single submitter. Criteria: Invitae Variant Classification Sherloc (09022015). Collection method: clinical testing. Allele origin: germline.
Comment: This sequence change replaces arginine with histidine at codon 11 of the GALT protein (p.Arg11His). The arginine residue is weakly conserved and there is a small physicochemical difference between arginine and histidine. This variant is present in population databases (rs757632977, ExAC 0.03%). This variant has not been reported in the literature in individuals affected with GALT-related conditions. Algorithms developed to predict the effect of missense changes on protein structure and function output the following: SIFT: "Tolerated"; PolyPhen-2: "Benign"; Align-GVGD: "Class C0". The histidine amino acid residue is found in multiple mammalian species, which suggests that this missense change does not adversely affect protein function. In summary, the available evidence is currently insufficient to determine the role of this variant in disease. Therefore, it has been classified as a Variant of Uncertain Significance.

Natera, Inc.
Classification: Uncertain significance for Galactosemia. Last evaluated: 2018-12-13. Review status: no assertion criteria provided. Collection method: clinical testing. Allele origin: germline. Not counted in ClinVar's aggregate classification.

NM_000155.4(GALT):c.32G>A (p.Arg11His)

Gene: GALT (galactose-1-phosphate uridylyltransferase; plus strand). Cytogenetic location: 9p13.3.
Variant type: single nucleotide variant.
Coding change: c.32G>A on transcript NM_000155.4 (MANE Select); coding-DNA position 32, G replaced by A.
Protein change: p.Arg11His; replaces arginine 11 with histidine.
Molecular consequence: missense variant. On other transcripts: 5 prime UTR variant (1).
Genome position (GRCh38, 1-based): chr9:34,646,736, G>A. VCF-style: chr9-34646736-G-A. GRCh37 (hg19) VCF-style: chr9-34646733-G-A.
Other names: c.-171G>A (NM_001258332.2); c.32G>A (NM_000155.2); short protein forms R11H.
Identifiers: ClinVar variation 566450 (VCV000566450.5), dbSNP rs757632977, ClinGen allele CA5035990.